The following is an entry in ClinVar:

NM_031407.7(HUWE1):c.12577G>A (p.Gly4193Arg)

Gene: HUWE1 (HECT, UBA and WWE domain containing E3 ubiquitin protein ligase 1; minus strand). Cytogenetic location: Xp11.22.
Variant type: single nucleotide variant.
Coding change: c.12577G>A on transcript NM_031407.7 (MANE Select); coding-DNA position 12577, G replaced by A.
Protein change: p.Gly4193Arg; replaces glycine 4193 with arginine.
Molecular consequence: missense variant.
Genome position (GRCh38, 1-based): chrX:53,535,456, C>T on the plus strand (G>A on the coding strand, the complement: HUWE1 is on the minus strand). VCF-style: chrX-53535456-C-T. GRCh37 (hg19) VCF-style: chrX-53562417-C-T.
Other names: short protein forms G4193R.
Identifiers: ClinVar variation 3254790 (VCV003254790.2), dbSNP rs2521859081.
Genomic context (GRCh38, chrX:53,535,456, plus strand): 5'-TCTGGCATACCAGGTGTACATACTCCTTCTTATTCTCCTCTGTTACCAAGATGTTGGCCC[C>T]ATTGGGTTTGAGGTCACGAACTTCACAAACTCCAAACTCTTGGACCTAGAACAACCAAAA-3'
Protein context (NP_113584.3, residues 4183-4203): VCEVRDLKPN[Gly4193Arg]ANILVTEENK

ClinVar aggregate classification (germline): Likely pathogenic (1 of 4 stars; one submission).

Conditions:
Intellectual developmental disorder, X-linked, syndromic, Turner type. Also called: X-linked intellectual disability, Turner type; Intellectual disability, X-linked syndromic, Turner type. Identifiers: Orphanet 3056, Orphanet 85328, MedGen C2678046, MONDO:0010407, OMIM 309590.

Submission:

Victorian Clinical Genetics Services, Murdoch Childrens Research Institute
Classification: Likely pathogenic for Intellectual developmental disorder, X-linked, syndromic, Turner type. Last evaluated: 2023-07-17. Review status: criteria provided, single submitter. Criteria: ACMG Guidelines, 2015. Collection method: clinical testing. Allele origin: germline. Inheritance: X-linked inheritance. Affected: yes.
Comment: Based on the classification scheme VCGS_Germline_v1.3.4, this variant is classified as Likely pathogenic. Following criteria are met: 0103 - Loss of function and gain of function are known mechanisms of disease in this gene and are associated with intellectual developmental disorder, X-linked syndromic, Turner type (MIM#309590) (PMID: 27130160). (I) 0110 - This gene is associated with X-linked disease. Due to skewed X-inactivation heterozygous females can be variably affected ranging from asymptomatic to fully manifesting the condition (PMID: 29180823). (I) 0200 - Variant is predicted to result in a missense amino acid change from glycine to arginine. (I) 0251 - This variant is heterozygous. (I) 0301 - Variant is absent from gnomAD (both v2 and v3). (SP) 0501 - Missense variant consistently predicted to be damaging by multiple in silico tools or highly conserved with a major amino acid change. (SP) 0600 - Variant is located in the annotated HECT domain (DECIPHER). (I) 0705 - No comparable missense variants have previous evidence for pathogenicity. (I) 0807 - This variant has no previous evidence of pathogenicity. (I) 0905 - No published segregation evidence has been identified for this variant. (I) 1007 - No published functional evidence has been identified for this variant. (SP) Legend: (SP) - Supporting pathogenic, (I) - Information, (SB) - Supporting benign

Literature cited by the submitters: PubMed 27130160; PubMed 29180823.